The following is an entry in ClinVar:

ClinVar aggregate classification (germline): Likely benign (1 of 4 stars; one submission).

Conditions:
BEST1-related disorder. Also called: BEST1-related condition; BEST1-related disorders. Identifiers: MedGen CN239200.

gnomAD v4.1: 7 of 1,613,732 alleles (0.00043%); highest among the groups gnomAD compares: Non-Finnish European, 0.00059%; no homozygotes.

Submission:

PreventionGenetics, part of Exact Sciences
Classification: Likely benign for BEST1-related condition. Last evaluated: 2025-12-11. Review status: criteria provided, single submitter. Criteria: ACMG Guidelines, 2015. Collection method: clinical testing. Allele origin: germline.
Comment: This variant is classified as likely benign based on ACMG/AMP sequence variant interpretation guidelines (Richards et al. 2015 PMID: 25741868, with internal and published modifications).

NM_004183.4(BEST1):c.867+47G>A

Gene: BEST1 (bestrophin 1; plus strand). Cytogenetic location: 11q12.3.
Variant type: single nucleotide variant.
Coding change: c.867+47G>A on transcript NM_004183.4 (MANE Select); 47 bases into the intron after coding-DNA position 867, G replaced by A.
Molecular consequence: intron variant. On other transcripts: missense variant (1), 5 prime UTR variant (1), non-coding transcript variant (1).
Genome position (GRCh38, 1-based): chr11:61,958,345, G>A. VCF-style: chr11-61958345-G-A. GRCh37 (hg19) VCF-style: chr11-61725817-G-A.
Other names: c.914G>A, p.Gly305Asp (NM_001363592.2); c.-262G>A (NM_001363593.3); c.867+47G>A (NM_001440571.1, NM_001440572.1); c.714+881G>A (NM_001440573.1); c.687+47G>A (NM_001139443.3, NM_001300787.2, NM_001440574.1 and 1 more transcripts); c.534+881G>A (NM_001440575.1, NM_001440576.1); c.549+47G>A (NM_001363591.3); short protein forms G305D.
Identifiers: ClinVar variation 4987600 (VCV004987600.1).
Genomic context (GRCh38, chr11:61,958,345, plus strand): 5'-TTGGCTGGCTGAAGGTGGGCCTCTCCAGGGCCCTGCTGGGCTGGAGGCATGGCCAGAGGG[G>A]TCATGGCCAGCAGCTGCCTGAGACGAGGATGCAGTGTCAGGAAAGGAAGGTCTCACGGGT-3'